The following is an entry in ClinVar:

NM_017882.3(CLN6):c.407G>A (p.Arg136His)

Gene: CLN6 (CLN6 transmembrane ER protein; minus strand). Cytogenetic location: 15q23.
Variant type: single nucleotide variant.
Coding change: c.407G>A on transcript NM_017882.3 (MANE Select); coding-DNA position 407, G replaced by A.
Protein change: p.Arg136His; replaces arginine 136 with histidine.
Molecular consequence: missense variant.
Genome position (GRCh38, 1-based): chr15:68,211,754, C>T on the plus strand (G>A on the coding strand, the complement: CLN6 is on the minus strand). VCF-style: chr15-68211754-C-T. GRCh37 (hg19) VCF-style: chr15-68504092-C-T.
Other names: short protein forms R136H.
Identifiers: ClinVar variation 402184 (VCV000402184.18), dbSNP rs769701646, ClinGen allele CA7630612.

ClinVar aggregate classification (germline): Conflicting classifications of pathogenicity. Review status: criteria provided, conflicting classifications (1 of 4 stars). 7 submissions from 7 submitters: Pathogenic (3); Likely pathogenic (2); Uncertain significance (2). Last evaluated 2025-11-26.

Conditions:
CLN6-related disorder. Also called: CLN6-related condition.
Ceroid lipofuscinosis, neuronal, 6B (Kufs type). Also called: Neuronal ceroid lipofuscinosis 4A. Identifiers: Orphanet 700477, MedGen C5561927, MONDO:0008768, OMIM 204300.
Ceroid lipofuscinosis, neuronal, 6A. Also called: CLN6-Related Neuronal Ceroid-Lipofuscinosis; Neuronal ceroid lipofuscinosis, Gypsy/Indian early juvenile variant; Neuronal ceroid lipofuscinosis 6; Neuronal ceroid lipofuscinosis, late infantile, variant. Identifiers: Orphanet 168491, Orphanet 228363, MedGen C5551375, MONDO:0011144, OMIM 601780.
Neuronal ceroid lipofuscinosis. Also called: Neuronal Ceroid Lipofuscinoses. Identifiers: Orphanet 216, Orphanet 79263, MedGen C0027877, MONDO:0016295. Disease mechanism: loss of function.
Abnormal brain morphology. Also called: Abnormality of brain morphology. Identifiers: MedGen C4021085, HP:0012443.

Allele frequency attached by ClinVar (database versions not stated): TOPMed below 0.00001; gnomAD 0.00001; gnomAD exomes 0.00004; ExAC 0.00005.

Submissions (7):

Natera, Inc.
Classification: Likely pathogenic for Ceroid lipofuscinosis, neuronal, 6A. Last evaluated: 2025-11-26. Review status: criteria provided, single submitter. Criteria: Natera Variant Classification Schema (03/2026). Collection method: clinical testing. Allele origin: germline.
Comment: The c.407G>A variant in CLN6 is a missense variant predicted to cause substitution of arginine to histidine at amino acid 136. This variant is rare in the general population with a frequency below the threshold expected for the associated phenotype(s). This variant has been observed in one or more individuals affected with the associated recessive disease, as either homozygous or compound heterozygous with a second variant (PMID: 37074398, 34868216, 30561534, 26075876). A different variant at the same position has been determined to be Pathogenic or Likely Pathogenic. Computational prediction algorithms indicate this variant is likely to affect gene or protein function. Given the available evidence, this variant is classified as Likely Pathogenic.

Labcorp Genetics (formerly Invitae), Labcorp
Classification: Pathogenic for Neuronal ceroid lipofuscinosis. Last evaluated: 2023-12-20. Review status: criteria provided, single submitter. Criteria: Invitae Variant Classification Sherloc (09022015). Collection method: clinical testing. Allele origin: germline.
Comment: This sequence change replaces arginine, which is basic and polar, with histidine, which is basic and polar, at codon 136 of the CLN6 protein (p.Arg136His). This variant is present in population databases (rs769701646, gnomAD 0.009%). This missense change has been observed in individual(s) with clinical features of neuronal ceroid lipofuscinosis (PMID: 26075876, 26539891, 27903347, 30561534, 34868216). In at least one individual the data is consistent with being in trans (on the opposite chromosome) from a pathogenic variant. ClinVar contains an entry for this variant (Variation ID: 402184). Advanced modeling of protein sequence and biophysical properties (such as structural, functional, and spatial information, amino acid conservation, physicochemical variation, residue mobility, and thermodynamic stability) has been performed at Invitae for this missense variant, however the output from this modeling did not meet the statistical confidence thresholds required to predict the impact of this variant on CLN6 protein function. This variant disrupts the p.Arg136 amino acid residue in CLN6. Other variant(s) that disrupt this residue have been determined to be pathogenic (Invitae). This suggests that this residue is clinically significant, and that variants that disrupt this residue are likely to be disease-causing. For these reasons, this variant has been classified as Pathogenic.

Blueprint Genetics
Classification: Pathogenic for CLN6-related disorders. Last evaluated: 2023-08-11. Review status: criteria provided, single submitter. Criteria: ACMG Guidelines, 2015. Collection method: clinical testing. Allele origin: germline. Affected: yes. Observed: 5 variant alleles.

Women's Health and Genetics/Laboratory Corporation of America, LabCorp
Classification: Pathogenic for Neuronal ceroid lipofuscinosis. Last evaluated: 2023-05-08. Review status: criteria provided, single submitter. Criteria: LabCorp Variant Classification Summary - May 2015. Collection method: clinical testing. Allele origin: germline.
Comment: Variant summary: CLN6 c.407G>A (p.Arg136His) results in a non-conservative amino acid change in the encoded protein sequence. Five of five in-silico tools predict a damaging effect of the variant on protein function. The variant allele was found at a frequency of 4e-05 in 251264 control chromosomes (gnomAD). This frequency is not significantly higher than estimated for a pathogenic variant in CLN6 causing Neuronal Ceroid-Lipofuscinosis (Batten Disease) (4e-05 vs 0.0011), allowing no conclusion about variant significance. c.407G>A has been reported in the literature as a biallelic genotype in multiple individuals affected with Neuronal Ceroid-Lipofuscinosis (Batten Disease) and in one individual with clinical features within the spectrum of the disease phenotype (e.g. Karaca_2015, DiFruscio_2015, Berkovic_2019, Nicolaou_2021, Rus_2022). These data indicate that the variant is very likely to be associated with disease. To our knowledge, no experimental evidence demonstrating an impact on protein function has been reported. The following publications have been ascertained in the context of this evaluation (PMID: 30561534, 26075876, 26539891, 34868216, 35505348). Three clinical diagnostic laboratories have submitted clinical-significance assessments for this variant to ClinVar after 2014 and classified the variant as either VUS (n=2) or likely pathogenic (n=1). Based on the evidence outlined above, the variant was classified as pathogenic.

Genetic Services Laboratory, University of Chicago
Classification: Uncertain significance. Last evaluated: 2015-10-29. Review status: criteria provided, single submitter. Criteria: ACMG Guidelines, 2015. Collection method: clinical testing. Allele origin: germline. Affected: no.

Center for Genomics, Ann and Robert H. Lurie Children's Hospital of Chicago
Classification: Uncertain significance for Ceroid lipofuscinosis, neuronal, 6B (Kufs type); Ceroid lipofuscinosis, neuronal, 6A. Review status: criteria provided, single submitter. Criteria: ACMG Guidelines, 2015. Collection method: clinical testing. Allele origin: germline.
Comment: CLN6 NM_017882 exon 4 p.Arg136His (c.407G>A): This variant has been reported in the literature in the homozygous state in one individual with intellectual disability, cerebellar atrophy, and ataxia, as well as in the compound heterozygous state with another CLN6 variant of uncertain significance in one individual with juvenile dementia and epilepsy (Karaca 2015 PMID:26539891, Di Fruscio 2015 PMID:26075876). This variant is present in 0.008% (11/129134) of European alleles in the Genome Aggregation Database. Please note, disease causing variants may be present in control databases at low frequencies, reflective of the general population, carrier status, and/or variable expressivity. This variant is also present in ClinVar (Variation ID:402184). Evolutionary conservation and computational predictive tools suggest that this variant may impact the protein. In summary, data on this variant is insufficient for disease classification. Therefore, the clinical significance of this variant is uncertain.

Lupski Lab, Baylor-Hopkins CMG, Baylor College of Medicine
Classification: Likely pathogenic for Abnormal brain morphology. Review status: criteria provided, single submitter. Criteria: Karaca et al. (Neuron 2015). Collection method: research. Allele origin: inherited. Inheritance: Autosomal recessive inheritance. Affected: yes.

Literature cited by the submitters: PubMed 37074398 (cited by Natera, Inc.); PubMed 34868216 (cited by 3 submitters); PubMed 30561534 (cited by 3 submitters); PubMed 26075876 (cited by 3 submitters); PubMed 26539891 (cited by Labcorp Genetics (formerly Invitae), Labcorp and Women's Health and Genetics/Laboratory Corporation of America, LabCorp); PubMed 27903347 (cited by Labcorp Genetics (formerly Invitae), Labcorp); PubMed 35505348 (cited by Women's Health and Genetics/Laboratory Corporation of America, LabCorp).